The following is an entry in ClinVar:

NM_001370259.2(MEN1):c.1354C>T (p.Arg452Trp)

Gene: MEN1 (menin 1; minus strand). Cytogenetic location: 11q13.1.
Variant type: single nucleotide variant.
Coding change: c.1354C>T on transcript NM_001370259.2 (MANE Select); coding-DNA position 1354, C replaced by T.
Protein change: p.Arg452Trp; replaces arginine 452 with tryptophan.
Molecular consequence: missense variant.
Genome position (GRCh38, 1-based): chr11:64,804,813, G>A on the plus strand (C>T on the coding strand, the complement: MEN1 is on the minus strand). VCF-style: chr11-64804813-G-A. GRCh37 (hg19) VCF-style: chr11-64572285-G-A.
Other names: c.1369C>T, p.Arg457Trp (NM_000244.4, NM_130800.3, NM_130801.3 and 3 more transcripts); c.1480C>T, p.Arg494Trp (NM_001370251.2); c.1354C>T, p.Arg452Trp (NM_001370260.2, NM_001370261.2, NM_130799.3); c.1249C>T, p.Arg417Trp (NM_001370262.2, NM_001370263.2); short protein forms R452W, R457W, R417W, R494W.
Identifiers: ClinVar variation 216815 (VCV000216815.22), dbSNP rs863224810, ClinGen allele CA339343.

ClinVar aggregate classification (germline): Conflicting classifications of pathogenicity. Review status: criteria provided, conflicting classifications (1 of 4 stars). 8 submissions from 8 submitters: Pathogenic (2); Likely pathogenic (5); Uncertain significance (1). Last evaluated 2026-02-20.

Conditions:
Hereditary cancer-predisposing syndrome. Also called: Tumor predisposition; Hereditary Cancer Syndrome; Neoplastic Syndromes, Hereditary; Hereditary neoplastic syndrome. Identifiers: Orphanet 140162, MedGen C0027672, MeSH D009386, MONDO:0015356.
Hereditary breast ovarian cancer syndrome. Also called: Hereditary breast and/or ovarian cancer syndrome; BRCA1- and BRCA2-Associated Hereditary Breast and Ovarian Cancer; Hereditary breast and ovarian cancer; Hereditary breast and ovarian cancer syndrome (HBOC); Breast and ovarian cancer; Hereditary breast and ovarian cancer syndrome. Identifiers: Orphanet 145, MedGen C0677776, MeSH D061325, MONDO:0003582. Disease mechanism: loss of function.
Multiple endocrine neoplasia, type 1 (MEN1). Also called: Endocrine adenomatosis multiple; MEN 1; MEN I; WERMER SYNDROME; MEA I. Identifiers: Orphanet 652, MedGen C0025267, MeSH D018761, MONDO:0007540, OMIM 131100.

Allele frequency attached by ClinVar (database versions not stated): gnomAD exomes below 0.00001; TOPMed below 0.00001; gnomAD 0.00001.

Submissions (8):

St. Jude Molecular Pathology, St. Jude Children's Research Hospital
Classification: Likely pathogenic for Multiple endocrine neoplasia, type 1. Last evaluated: 2026-02-20. Review status: criteria provided, single submitter. Criteria: St. Jude Assertion Criteria 2020. Collection method: clinical testing. Allele origin: germline.
Comment: The MEN1 c.1354C>T p.(Arg452Trp) missense change is absent in gnomAD v2.1.1. The in silico tool REVEL predicts a deleterious effect on protein function, but to our knowledge this prediction has not been confirmed by functional studies. This variant has been reported in multiple probands with a personal and/or family history of multiple endocrine neoplasia type I or MEN1-associated tumors (PMID: 29036195, personal correspondence with Ambry Genetics). In summary, this variant meets criteria to be classified as likely pathogenic.

Labcorp Genetics (formerly Invitae), Labcorp
Classification: Pathogenic for Multiple endocrine neoplasia, type 1. Last evaluated: 2025-11-22. Review status: criteria provided, single submitter. Criteria: Invitae Variant Classification Sherloc (09022015). Collection method: clinical testing. Allele origin: germline.
Comment: This sequence change replaces arginine, which is basic and polar, with tryptophan, which is neutral and slightly polar, at codon 452 of the MEN1 protein (p.Arg452Trp). This variant is not present in population databases (gnomAD no frequency). This missense change has been observed in individuals with multiple endocrine neoplasia type 1 (PMID: 29036195; internal data). Invitae Evidence Modeling of clinical and family history, age, sex, and reported ancestry of multiple individuals with this MEN1 variant has been performed. This variant is expected to be pathogenic with a positive predictive value of at least 99%. This is a validated machine learning model that incorporates the clinical features of 1,366,787 individuals referred to our laboratory for MEN1 testing. ClinVar contains an entry for this variant (Variation ID: 216815). Invitae Evidence Modeling of protein sequence and biophysical properties (such as structural, functional, and spatial information, amino acid conservation, physicochemical variation, residue mobility, and thermodynamic stability) indicates that this missense variant is expected to disrupt MEN1 protein function with a positive predictive value of 95%. For these reasons, this variant has been classified as Pathogenic.

Ambry Genetics
Classification: Pathogenic for Hereditary cancer-predisposing syndrome. Last evaluated: 2025-07-10. Review status: criteria provided, single submitter. Criteria: Ambry Variant Classification Scheme 2023. Collection method: clinical testing. Allele origin: germline.
Comment: The p.R452W pathogenic mutation (also known as c.1354C>T), located in coding exon 9 of the MEN1 gene, results from a C to T substitution at nucleotide position 1354. The arginine at codon 452 is replaced by tryptophan, an amino acid with dissimilar properties. This alteration has been reported in multiple families with clinical features of MEN1 (Pardi E et al. PLoS ONE 2017 Oct;12(10):e0186485; Ambry internal data). Structural analysis demonstrates that the total energy of p.R452W is considerably higher compared to the native structure, implying a possible underlying damaging effect on protein structure, potentially affecting protein stability and function (Shi A et al. Blood, 2012 Nov;120:4461-9; Ambry internal data). This amino acid position is highly conserved in available vertebrate species. In addition, this alteration is predicted to be deleterious by in silico analysis. This variant is considered to be rare based on population cohorts in the Genome Aggregation Database (gnomAD). Based on the supporting evidence, this variant is interpreted as a disease-causing mutation.

GeneDx
Classification: Likely pathogenic. Last evaluated: 2025-06-03. Review status: criteria provided, single submitter. Criteria: GeneDx Variant Classification Process June 2021. Collection method: clinical testing. Allele origin: germline. Affected: yes.
Comment: In silico analysis supports that this missense variant has a deleterious effect on protein structure/function; Not observed at significant frequency in large population cohorts (gnomAD); This variant is associated with the following publications: (PMID: 30869828, 11274402, 11526476, 22936661, 29036195, 37484956)

Fulgent Genetics
Classification: Likely pathogenic for Multiple endocrine neoplasia, type 1. Last evaluated: 2024-05-31. Review status: criteria provided, single submitter. Criteria: ACMG Guidelines, 2015. Collection method: clinical testing. Allele origin: germline.

German Consortium for Hereditary Breast and Ovarian Cancer, University Hospital Cologne
Classification: Likely pathogenic for Hereditary breast ovarian cancer syndrome. Last evaluated: 2024-05-14. Review status: criteria provided, single submitter. Criteria: ACMG Guidelines, 2015. Collection method: curation. Allele origin: germline.
Comment: According to the ACMG SVI adaptation criteria we chose these criteria: PS4 (medium pathogenic): This alteration has been reported in multiple families with clinical features of MEN1 (Pardi E et al. PLoS ONE 2017 Oct;12(10):e0186485; Ambry internal data). , PM2 (supporting pathogenic): 1x in gnomAD v3.1.2 (non-cancer), PP3 (strong pathogenic): REVEL-Score 0.961 (pathogenic strong), Varsome: META-Score (20) pathogenic

ARUP Laboratories, Molecular Genetics and Genomics, ARUP Laboratories
Classification: Likely pathogenic. Last evaluated: 2023-11-14. Review status: criteria provided, single submitter. Criteria: ARUP Molecular Germline Variant Investigation Process 2024. Collection method: clinical testing. Allele origin: germline.
Comment: The MEN1 c.1354C>T; p.Arg452Trp variant (rs863224810) is reported in individuals affected with familial multiple endocrine neoplasia, type 1 (Pardi 2017, ARUP internal data). This variant is also reported in ClinVar (Variation ID: 216815), but is absent from the Genome Aggregation Database, indicating it is not a common polymorphism. Computational analyses predict that this variant is deleterious (REVEL: 0.961). Based on available information, this variant is considered to be likely pathogenic. References: Pardi E et al. Mutational and large deletion study of genes implicated in hereditary forms of primary hyperparathyroidism and correlation with clinical features. PLoS One. 2017 Oct 16;12(10):e0186485. PMID: 29036195.

Genetics and Molecular Pathology, SA Pathology
Classification: Uncertain significance for Multiple endocrine neoplasia, type 1. Last evaluated: 2021-10-26. Review status: criteria provided, single submitter. Criteria: ACMG Guidelines, 2015. Collection method: clinical testing. Allele origin: germline. Inheritance: Autosomal dominant inheritance. Affected: yes.

Literature cited by the submitters: PubMed 29036195 (cited by Labcorp Genetics (formerly Invitae), Labcorp); PubMed 22936661 (cited by Ambry Genetics).